The following is an entry in ClinVar:

ClinVar aggregate classification (germline): Uncertain significance. Review status: criteria provided, multiple submitters, no conflicts (2 of 4 stars). 2 submissions from 2 submitters: Uncertain significance (2). Last evaluated 2025-12-16.

Allele frequency attached by ClinVar (database versions not stated): gnomAD 0.00001; ExAC 0.00002; gnomAD exomes 0.00002; TOPMed 0.00003.
gnomAD v4.1: 25 of 1,613,988 alleles (0.0015%); highest among the groups gnomAD compares: Admixed American, 0.01%; no homozygotes.

Submissions (2):

Labcorp Genetics (formerly Invitae), Labcorp
Classification: Uncertain significance. Last evaluated: 2025-12-16. Review status: criteria provided, single submitter. Criteria: Invitae Variant Classification Sherloc (09022015). Collection method: clinical testing. Allele origin: germline.
Comment: This sequence change replaces histidine, which is basic and polar, with arginine, which is basic and polar, at codon 338 of the MARS2 protein (p.His338Arg). This variant is present in population databases (rs776469200, gnomAD 0.009%). This variant has not been reported in the literature in individuals affected with MARS2-related conditions. ClinVar contains an entry for this variant (Variation ID: 1978873). Invitae Evidence Modeling of protein sequence and biophysical properties (such as structural, functional, and spatial information, amino acid conservation, physicochemical variation, residue mobility, and thermodynamic stability) indicates that this missense variant is expected to disrupt MARS2 protein function with a positive predictive value of 80%. In summary, the available evidence is currently insufficient to determine the role of this variant in disease. Therefore, it has been classified as a Variant of Uncertain Significance.

Blueprint Genetics
Classification: Uncertain significance. Last evaluated: 2024-09-21. Review status: criteria provided, single submitter. Criteria: ACMG Guidelines, 2015. Collection method: clinical testing. Allele origin: germline.

NM_138395.4(MARS2):c.1013A>G (p.His338Arg)

Gene: MARS2 (methionyl-tRNA synthetase 2, mitochondrial; plus strand). Cytogenetic location: 2q33.1.
Variant type: single nucleotide variant.
Coding change: c.1013A>G on transcript NM_138395.4 (MANE Select); coding-DNA position 1013, A replaced by G.
Protein change: p.His338Arg; replaces histidine 338 with arginine.
Molecular consequence: missense variant.
Genome position (GRCh38, 1-based): chr2:197,706,418, A>G. VCF-style: chr2-197706418-A-G. GRCh37 (hg19) VCF-style: chr2-198571142-A-G.
Other names: short protein forms H338R.
Identifiers: ClinVar variation 1978873 (VCV001978873.5), dbSNP rs776469200, ClinGen allele CA2044675.